The following is an entry in ClinVar:

ClinVar aggregate classification (germline): Uncertain significance (1 of 4 stars; one submission).

Conditions:
Tuberous sclerosis 1 (TSC1). Identifiers: Orphanet 805, MedGen C1854465, MONDO:0008612, OMIM 191100.

Submission:

Labcorp Genetics (formerly Invitae), Labcorp
Classification: Uncertain significance for Tuberous sclerosis 1. Last evaluated: 2024-05-14. Review status: criteria provided, single submitter. Criteria: Invitae Variant Classification Sherloc (09022015). Collection method: clinical testing. Allele origin: germline.
Comment: This sequence change replaces leucine, which is neutral and non-polar, with glutamine, which is neutral and polar, at codon 330 of the TSC1 protein (p.Leu330Gln). This variant is not present in population databases (gnomAD no frequency). This variant has not been reported in the literature in individuals affected with TSC1-related conditions. Advanced modeling of protein sequence and biophysical properties (such as structural, functional, and spatial information, amino acid conservation, physicochemical variation, residue mobility, and thermodynamic stability) performed at Invitae indicates that this missense variant is not expected to disrupt TSC1 protein function with a negative predictive value of 95%. In summary, the available evidence is currently insufficient to determine the role of this variant in disease. Therefore, it has been classified as a Variant of Uncertain Significance.

NM_000368.5(TSC1):c.989T>A (p.Leu330Gln)

Gene: TSC1 (TSC complex subunit 1; minus strand). Cytogenetic location: 9q34.13.
Variant type: single nucleotide variant.
Coding change: c.989T>A on transcript NM_000368.5 (MANE Select); coding-DNA position 989, T replaced by A.
Protein change: p.Leu330Gln; replaces leucine 330 with glutamine.
Molecular consequence: missense variant. On other transcripts: 5 prime UTR variant (2), non-coding transcript variant (5).
Genome position (GRCh38, 1-based): chr9:132,911,493, A>T on the plus strand (T>A on the coding strand, the complement: TSC1 is on the minus strand). VCF-style: chr9-132911493-A-T. GRCh37 (hg19) VCF-style: chr9-135786880-A-T.
Other names: c.626T>A, p.Leu209Gln (NM_001362177.2, NM_001406614.1, NM_001406615.1 and 10 more transcripts); c.989T>A, p.Leu330Gln (NM_001406592.1, NM_001406593.1, NM_001406594.1 and 16 more transcripts); c.836T>A, p.Leu279Gln (NM_001406610.1, NM_001406611.1, NM_001406612.1 and 2 more transcripts); c.-105T>A (NM_001406629.1, NM_001406630.1); c.38T>A, p.Leu13Gln (NM_001406626.1, NM_001406627.1, NM_001406628.1); short protein forms L13Q, L209Q, L279Q, L330Q.
Identifiers: ClinVar variation 3652467 (VCV003652467.2).
Genomic context (GRCh38, chr9:132,911,493, plus strand): 5'-CACACTAGTTGACACCATACTTGTGGTGGTTCAGTTATCAGCCGTGTCGATGGGGAACTC[A>T]GAGTCTGAGGTAGCTGCCCTGGCATATTTAACAACATCAGCCGAGACGTGGAGTAAGGGG-3'
Protein context (NP_000359.1, residues 320-340): LNMPGQLPQT[Leu330Gln]SSPSTRLITE